The following is an entry in ClinVar:

ClinVar aggregate classification (germline): Uncertain significance. Review status: criteria provided, multiple submitters, no conflicts (2 of 4 stars). 2 submissions from 2 submitters: Uncertain significance (2). Last evaluated 2026-01-19.

Conditions:
Mucopolysaccharidosis, MPS-III-C (MPS3C). Also called: mucopolysaccharidosis type 3C; MUCOPOLYSACCHARIDOSIS, TYPE IIIC; SANFILIPPO SYNDROME C; MPS III C; Mucopolysaccharidosis type IIIC (Sanfilippo C); MPS IIIC (Sanfilippo Syndrome Type C). Identifiers: Orphanet 581, Orphanet 79271, MedGen C0086649, MONDO:0009657, OMIM 252930.
Retinitis pigmentosa 73 (RP73). Identifiers: Orphanet 791, MedGen C4225287, MONDO:0014687, OMIM 616544.

Allele frequency attached by ClinVar (database versions not stated): gnomAD 0.00001; TOPMed 0.00002; gnomAD exomes 0.00001.
gnomAD v4.1: 8 of 1,611,932 alleles (0.0005%); highest among the groups gnomAD compares: Non-Finnish European, 0.00059%; no homozygotes.

Submissions (2):

Labcorp Genetics (formerly Invitae), Labcorp
Classification: Uncertain significance for Retinitis pigmentosa 73; Mucopolysaccharidosis, MPS-III-C. Last evaluated: 2026-01-19. Review status: criteria provided, single submitter. Criteria: Invitae Variant Classification Sherloc (09022015). Collection method: clinical testing. Allele origin: germline.
Comment: This sequence change replaces isoleucine, which is neutral and non-polar, with valine, which is neutral and non-polar, at codon 613 of the HGSNAT protein (p.Ile613Val). This variant is not present in population databases (gnomAD no frequency). This variant has not been reported in the literature in individuals affected with HGSNAT-related conditions. ClinVar contains an entry for this variant (Variation ID: 910490). Invitae Evidence Modeling of protein sequence and biophysical properties (such as structural, functional, and spatial information, amino acid conservation, physicochemical variation, residue mobility, and thermodynamic stability) indicates that this missense variant is not expected to disrupt HGSNAT protein function with a negative predictive value of 95%. In summary, the available evidence is currently insufficient to determine the role of this variant in disease. Therefore, it has been classified as a Variant of Uncertain Significance.

Illumina Laboratory Services, Illumina
Classification: Uncertain significance for Mucopolysaccharidosis, MPS-III-C. Last evaluated: 2018-01-13. Review status: criteria provided, single submitter. Criteria: ICSL Variant Classification Criteria 13 December 2019. Collection method: clinical testing. Allele origin: germline.

NM_152419.3(HGSNAT):c.1837A>G (p.Ile613Val)

Gene: HGSNAT (heparan-alpha-glucosaminide N-acetyltransferase; plus strand). Cytogenetic location: 8p11.21.
Variant type: single nucleotide variant.
Coding change: c.1837A>G on transcript NM_152419.3 (MANE Select); coding-DNA position 1837, A replaced by G.
Protein change: p.Ile613Val; replaces isoleucine 613 with valine.
Molecular consequence: missense variant.
Genome position (GRCh38, 1-based): chr8:43,199,498, A>G. VCF-style: chr8-43199498-A-G. GRCh37 (hg19) VCF-style: chr8-43054641-A-G.
Other names: c.1924A>G, p.Ile642Val (NM_001363227.2); c.1645A>G, p.Ile549Val (NM_001363228.2); c.973A>G, p.Ile325Val (NM_001363229.2); short protein forms I613V, I642V, I325V, I549V.
Identifiers: ClinVar variation 910490 (VCV000910490.9), dbSNP rs1266245327, ClinGen allele CA371121577.
Genomic context (GRCh38, chr8:43,199,498, plus strand): 5'-TTCCCCTTTCAGTGGAAGCTGAAGGACAACCAGTCCCACAAGGAGCACCTGACTCAGAAC[A>G]TCGTCGCCACTGCCCTCTGGGTGCTCATTGCCTACATCCTCTATAGAAAGAAGATTTTTT-3'
Protein context (NP_689632.2, residues 603-623): QSHKEHLTQN[Ile613Val]VATALWVLIA